The following is an entry in ClinVar:

ClinVar aggregate classification (germline): Uncertain significance. Review status: criteria provided, single submitter (1 of 4 stars). 2 submissions from 2 submitters: Uncertain significance (1). 1 of the submissions does not count toward it. Last evaluated 2024-12-20.

Conditions:
Retinal dystrophy. Also called: Inherited retinal dystrophy. Identifiers: Orphanet 71862, MedGen C0854723, MeSH D058499, MONDO:0019118, HP:0000556.

Allele frequency attached by ClinVar (database versions not stated): gnomAD 0.00001; TOPMed 0.00001; ExAC 0.00002; gnomAD exomes 0.00002 and 0.00003.

Submissions (2):

Labcorp Genetics (formerly Invitae), Labcorp
Classification: Uncertain significance. Last evaluated: 2024-12-20. Review status: criteria provided, single submitter. Criteria: Invitae Variant Classification Sherloc (09022015). Collection method: clinical testing. Allele origin: germline.
Comment: This sequence change replaces arginine, which is basic and polar, with glutamine, which is neutral and polar, at codon 195 of the GUCA1B protein (p.Arg195Gln). This variant is present in population databases (rs771976584, gnomAD 0.006%). This variant has not been reported in the literature in individuals affected with GUCA1B-related conditions. ClinVar contains an entry for this variant (Variation ID: 1052765). An algorithm developed to predict the effect of missense changes on protein structure and function outputs the following: PolyPhen-2: "Benign". The glutamine amino acid residue is found in multiple mammalian species, which suggests that this missense change does not adversely affect protein function. In summary, the available evidence is currently insufficient to determine the role of this variant in disease. Therefore, it has been classified as a Variant of Uncertain Significance.

Institute of Human Genetics, Univ. Regensburg, Univ. Regensburg
Classification: Uncertain significance for Retinal dystrophy. Last evaluated: 2015-01-01. Review status: no assertion criteria provided. Criteria: ACMG Guidelines, 2015. Collection method: clinical testing. Allele origin: germline. Affected: yes. Not counted in ClinVar's aggregate classification.

NM_002098.6(GUCA1B):c.584G>A (p.Arg195Gln)

Gene: GUCA1B (guanylate cyclase activator 1B; minus strand). Cytogenetic location: 6p21.1.
Variant type: single nucleotide variant.
Coding change: c.584G>A on transcript NM_002098.6 (MANE Select); coding-DNA position 584, G replaced by A.
Protein change: p.Arg195Gln; replaces arginine 195 with glutamine.
Molecular consequence: missense variant.
Genome position (GRCh38, 1-based): chr6:42,184,834, C>T on the plus strand (G>A on the coding strand, the complement: GUCA1B is on the minus strand). VCF-style: chr6-42184834-C-T. GRCh37 (hg19) VCF-style: chr6-42152572-C-T.
Other names: short protein forms R195Q.
Identifiers: ClinVar variation 1052765 (VCV001052765.10), dbSNP rs771976584, ClinGen allele CA3805492.